The following is an entry in ClinVar:

NM_002180.3(IGHMBP2):c.1807C>T (p.Arg603Cys)

Gene: IGHMBP2 (immunoglobulin mu DNA binding protein 2; plus strand). Cytogenetic location: 11q13.3.
Variant type: single nucleotide variant.
Coding change: c.1807C>T on transcript NM_002180.3 (MANE Select); coding-DNA position 1807, C replaced by T.
Protein change: p.Arg603Cys; replaces arginine 603 with cysteine.
Molecular consequence: missense variant.
Genome position (GRCh38, 1-based): chr11:68,936,287, C>T. VCF-style: chr11-68936287-C-T. GRCh37 (hg19) VCF-style: chr11-68703755-C-T.
Other names: short protein forms R603C.
Identifiers: ClinVar variation 637463 (VCV000637463.2), dbSNP rs1465803265, ClinGen allele CA381651586.

ClinVar aggregate classification (germline): Uncertain significance. Review status: criteria provided, single submitter (1 of 4 stars). 2 submissions from 2 submitters: Uncertain significance (1). 1 of the submissions does not count toward it. Last evaluated 2023-07-24.

Conditions:
Distal spinal muscular atrophy. Also called: Distal hereditary motor neuropathy; Distal hereditary motor neuronopathy. Identifiers: Orphanet 53739, MedGen C0393541, MONDO:0018894.

Allele frequency attached by ClinVar (database versions not stated): TOPMed below 0.00001; gnomAD 0.00001.
gnomAD v4.1: 8 of 1,614,046 alleles (0.0005%); highest among the groups gnomAD compares: South Asian, 0.0022%; no homozygotes.

Submissions (2):

Women's Health and Genetics/Laboratory Corporation of America, LabCorp
Classification: Uncertain significance. Last evaluated: 2023-07-24. Review status: criteria provided, single submitter. Criteria: LabCorp Variant Classification Summary - May 2015. Collection method: clinical testing. Allele origin: germline.
Comment: Variant summary: IGHMBP2 c.1807C>T (p.Arg603Cys) results in a non-conservative amino acid change located in the DNA2/NAM7 helicase-like, C-terminal domain (IPR041679) of the encoded protein sequence. Five of five in-silico tools predict a damaging effect of the variant on protein function. The variant allele was found at a frequency of 8e-06 in 251166 control chromosomes (gnomAD). The available data on variant occurrences in the general population are insufficient to allow any conclusion about variant significance. c.1807C>T has been reported in the literature as a compound heterozygous genotype in an individual affected with Spinal Muscular Atrophy with Respiratory Distress (SMAD) who also presented with fetal hypotrophy and ventricular septal defect (Maystadt_2004.) This report does not provide unequivocal conclusions about association of the variant with Charcot-Marie-Tooth Disease, Axonal, Type 2S, or with other IGHMBP2-related disorders. To our knowledge, no experimental evidence demonstrating an impact on protein function has been reported. The following publication has been ascertained in the context of this evaluation (PMID: 15108294). No submitters have cited clinical-significance assessments for this variant to ClinVar after 2014. Based on the evidence outlined above, the variant was classified as uncertain significance.

Inherited Neuropathy Consortium
Classification: Uncertain significance for Distal spinal muscular atrophy. Review status: no assertion criteria provided. Collection method: literature only. Allele origin: germline. Affected: yes. Not counted in ClinVar's aggregate classification.

Literature cited by the submitters: PubMed 15108294 (cited by Women's Health and Genetics/Laboratory Corporation of America, LabCorp and Inherited Neuropathy Consortium).